The following is an entry in ClinVar:

ClinVar aggregate classification (germline): Likely pathogenic (1 of 4 stars; one submission).

Submission:

GeneDx
Classification: Likely pathogenic. Last evaluated: 2026-10-20. Review status: criteria provided, single submitter. Criteria: GeneDx Variant Classification Process June 2021. Collection method: clinical testing. Allele origin: germline.
Comment: Canonical splice site variant predicted to result in an in-frame loss of the adjacent exon in a gene for which loss of function is a known mechanism of disease; Not observed at significant frequency in large population cohorts (gnomAD); Has not been previously published as pathogenic or benign to our knowledge; This variant is associated with the following publications: (PMID: 22335739, 32778822)

NM_001267550.2(TTN):c.63509-7_63509-2del

Genes: TTN (titin; minus strand), TTN-AS1 (TTN antisense RNA 1; plus strand). Cytogenetic location: 2q31.2.
Variant type: Deletion.
Coding change: c.63509-7_63509-2del on transcript NM_001267550.2 (MANE Select); 7 bases into the intron before coding-DNA position 63509 through the canonical splice acceptor site of the intron before coding-DNA position 63509, 6 bases deleted (TTTGCA; older notation c.63509-7_63509-2delTTTGCA).
Molecular consequence: splice acceptor variant.
Genome position (GRCh38, 1-based): chr2:178,587,802-178,587,807, TGCAAA deleted on the plus strand (TTTGCA on the coding strand, the reverse complement: TTN is on the minus strand); deleting any 6 consecutive bases within chr2:178,587,802-178,587,809 gives the same sequence; the c. name uses the placement nearest the transcript's 3' end. VCF-style (leftmost placement, unchanged base first): chr2-178587801-CTGCAAA-C. GRCh37 (hg19) VCF-style: chr2-179452528-CTGCAAA-C.
Other names: c.36314-7_36314-2del (NM_003319.4); c.36890-7_36890-2del (NM_133437.4); c.36689-7_36689-2del (NM_133432.3); c.55805-7_55805-2del (NM_133378.4); c.58586-7_58586-2del (NM_001256850.1).
Identifiers: ClinVar variation 4819500 (VCV004819500.2).